The following is an entry in ClinVar:

ClinVar aggregate classification (germline): Uncertain significance (1 of 4 stars; one submission).

Submission:

Labcorp Genetics (formerly Invitae), Labcorp
Classification: Uncertain significance. Last evaluated: 2024-02-18. Review status: criteria provided, single submitter. Criteria: Invitae Variant Classification Sherloc (09022015). Collection method: clinical testing. Allele origin: germline.
Comment: This sequence change replaces glutamic acid, which is acidic and polar, with alanine, which is neutral and non-polar, at codon 838 of the CDH2 protein (p.Glu838Ala). This variant is not present in population databases (gnomAD no frequency). This variant has not been reported in the literature in individuals affected with CDH2-related conditions. An algorithm developed to predict the effect of missense changes on protein structure and function (PolyPhen-2) suggests that this variant is likely to be disruptive. In summary, the available evidence is currently insufficient to determine the role of this variant in disease. Therefore, it has been classified as a Variant of Uncertain Significance.

NM_001792.5(CDH2):c.2513A>C (p.Glu838Ala)

Genes: CDH2 (cadherin 2; minus strand), CDH2-AS1 (CDH2 antisense RNA 1; plus strand). Cytogenetic location: 18q12.1.
Variant type: single nucleotide variant.
Coding change: c.2513A>C on transcript NM_001792.5 (MANE Select); coding-DNA position 2513, A replaced by C.
Protein change: p.Glu838Ala; replaces glutamic acid 838 with alanine.
Molecular consequence: missense variant.
Genome position (GRCh38, 1-based): chr18:27,963,358, T>G on the plus strand (A>C on the coding strand, the complement: CDH2 is on the minus strand). VCF-style: chr18-27963358-T-G. GRCh37 (hg19) VCF-style: chr18-25543322-T-G.
Other names: c.2420A>C, p.Glu807Ala (NM_001308176.2); short protein forms E807A, E838A.
Identifiers: ClinVar variation 3641883 (VCV003641883.2).